The following is an entry in ClinVar:

NM_144991.3(TSPEAR):c.496G>A (p.Ala166Thr)

Gene: TSPEAR (thrombospondin type laminin G domain and EAR repeats; minus strand). Cytogenetic location: 21q22.3.
Variant type: single nucleotide variant.
Coding change: c.496G>A on transcript NM_144991.3 (MANE Select); coding-DNA position 496, G replaced by A.
Protein change: p.Ala166Thr; replaces alanine 166 with threonine.
Molecular consequence: missense variant.
Genome position (GRCh38, 1-based): chr21:44,533,731, C>T on the plus strand (G>A on the coding strand, the complement: TSPEAR is on the minus strand). VCF-style: chr21-44533731-C-T. GRCh37 (hg19) VCF-style: chr21-45953614-C-T.
Other names: c.292G>A, p.Ala98Thr (NM_001272037.2); short protein forms A166T, A98T.
Identifiers: ClinVar variation 2483660 (VCV002483660.4), dbSNP rs782068174, ClinGen allele CA10057004.

ClinVar aggregate classification (germline): Uncertain significance. Review status: criteria provided, multiple submitters, no conflicts (2 of 4 stars). 2 submissions from 2 submitters: Uncertain significance (2). Last evaluated 2025-12-11.

Conditions:
Inborn genetic diseases. Identifiers: MedGen C0950123, MeSH D030342.

Allele frequency attached by ClinVar (database versions not stated): ExAC 0.00004; gnomAD exomes 0.00003; gnomAD 0.00003; TOPMed 0.00005.
gnomAD v4.1: 42 of 1,611,850 alleles (0.0026%); highest among the groups gnomAD compares: South Asian, 0.0044%; no homozygotes.

Submissions (2):

Ambry Genetics
Classification: Uncertain significance for Inborn genetic diseases. Last evaluated: 2025-12-11. Review status: criteria provided, single submitter. Criteria: Ambry Variant Classification Scheme 2023. Collection method: clinical testing. Allele origin: germline.

GeneDx
Classification: Uncertain significance. Last evaluated: 2024-07-19. Review status: criteria provided, single submitter. Criteria: GeneDx Variant Classification Process June 2021. Collection method: clinical testing. Allele origin: germline. Affected: yes.
Comment: In silico analysis indicates that this missense variant does not alter protein structure/function; Has not been previously published as pathogenic or benign to our knowledge